The following is an entry in ClinVar:

ClinVar aggregate classification (germline): Uncertain significance. Review status: criteria provided, multiple submitters, no conflicts (2 of 4 stars). 3 submissions from 3 submitters: Uncertain significance (3). Last evaluated 2025-11-12.

Conditions:
Hereditary cancer-predisposing syndrome. Also called: Neoplastic Syndromes, Hereditary; Tumor predisposition; Hereditary Cancer Syndrome; Hereditary neoplastic syndrome. Identifiers: Orphanet 140162, MedGen C0027672, MeSH D009386, MONDO:0015356.
Ataxia-telangiectasia syndrome (AT). Also called: LOUIS-BAR SYNDROME; Cerebello-oculocutaneous telangiectasia; Immunodeficiency with ataxia telangiectasia; Ataxia-telangiectasia, complementation group D; AT, COMPLEMENTATION GROUP C; ATAXIA-TELANGIECTASIA, COMPLEMENTATION GROUP A. Identifiers: Orphanet 100, MedGen C0004135, MONDO:0008840, OMIM 208900.

Allele frequency attached by ClinVar (database versions not stated): gnomAD exomes below 0.00001.
gnomAD v4.1: 3 of 1,613,924 alleles (0.00019%); highest among the groups gnomAD compares: Non-Finnish European, 0.00025%; no homozygotes.

Submissions (3):

Ambry Genetics
Classification: Uncertain significance for Hereditary cancer-predisposing syndrome. Last evaluated: 2025-11-12. Review status: criteria provided, single submitter. Criteria: Ambry Variant Classification Scheme 2023. Collection method: clinical testing. Allele origin: germline.
Comment: The p.A1687V variant (also known as c.5060C>T), located in coding exon 33 of the ATM gene, results from a C to T substitution at nucleotide position 5060. The alanine at codon 1687 is replaced by valine, an amino acid with similar properties. In an assay testing ATM function, this variant showed a functionally normal result (Lee KS et al. Cell, 2025 Sep;188:5081-5099.e27). This amino acid position is conserved. In addition, the in silico prediction for this alteration is inconclusive. Based on the available evidence, the clinical significance of this variant remains unclear.

Color Diagnostics, LLC DBA Color Health
Classification: Uncertain significance for Hereditary cancer-predisposing syndrome. Last evaluated: 2024-08-19. Review status: criteria provided, single submitter. Criteria: ACMG Guidelines, 2015. Collection method: clinical testing. Allele origin: germline.
Comment: This missense variant replaces alanine with valine at codon 1687 of the ATM protein. Computational prediction suggests that this variant may not impact protein structure and function. To our knowledge, functional studies have not been reported for this variant. This variant has not been reported in individuals affected with ATM-related disorders in the literature. This variant has not been identified in the general population by the Genome Aggregation Database (gnomAD). The available evidence is insufficient to determine the role of this variant in disease conclusively. Therefore, this variant is classified as a Variant of Uncertain Significance.

Labcorp Genetics (formerly Invitae), Labcorp
Classification: Uncertain significance for Ataxia-telangiectasia syndrome. Last evaluated: 2022-06-13. Review status: criteria provided, single submitter. Criteria: Invitae Variant Classification Sherloc (09022015). Collection method: clinical testing. Allele origin: germline.
Comment: In summary, the available evidence is currently insufficient to determine the role of this variant in disease. Therefore, it has been classified as a Variant of Uncertain Significance. Advanced modeling of protein sequence and biophysical properties (such as structural, functional, and spatial information, amino acid conservation, physicochemical variation, residue mobility, and thermodynamic stability) performed at Invitae indicates that this missense variant is not expected to disrupt ATM protein function. This variant has not been reported in the literature in individuals affected with ATM-related conditions. This variant is not present in population databases (gnomAD no frequency). This sequence change replaces alanine, which is neutral and non-polar, with valine, which is neutral and non-polar, at codon 1687 of the ATM protein (p.Ala1687Val).

Literature cited by the submitters: PubMed 40580951 (cited by Ambry Genetics).

NM_000051.4(ATM):c.5060C>T (p.Ala1687Val)

Gene: ATM (ATM serine/threonine kinase; plus strand). Cytogenetic location: 11q22.3.
Variant type: single nucleotide variant.
Coding change: c.5060C>T on transcript NM_000051.4 (MANE Select); coding-DNA position 5060, C replaced by T.
Protein change: p.Ala1687Val; replaces alanine 1687 with valine.
Molecular consequence: missense variant.
Genome position (GRCh38, 1-based): chr11:108,299,768, C>T. VCF-style: chr11-108299768-C-T. GRCh37 (hg19) VCF-style: chr11-108170495-C-T.
Other names: c.5060C>T, p.Ala1687Val (NM_001351834.2); short protein forms A1687V.
Identifiers: ClinVar variation 1745105 (VCV001745105.9), dbSNP rs1591702201, ClinGen allele CA382540502.